The following is an entry in ClinVar:

ClinVar aggregate classification (germline): Uncertain significance (1 of 4 stars; one submission).

gnomAD v4.1: 3 of 1,609,834 alleles (0.00019%); highest among the groups gnomAD compares: African/African-American, 0.0027%; no homozygotes.

Submission:

GeneDx
Classification: Uncertain significance. Last evaluated: 2024-10-10. Review status: criteria provided, single submitter. Criteria: GeneDx Variant Classification Process June 2021. Collection method: clinical testing. Allele origin: germline. Affected: yes.
Comment: Not observed at significant frequency in large population cohorts (gnomAD); In silico analysis indicates that this missense variant does not alter protein structure/function; Has not been previously published as pathogenic or benign to our knowledge

NM_176787.5(PIGN):c.2249C>G (p.Thr750Ser)

Gene: PIGN (phosphatidylinositol glycan anchor biosynthesis class N; minus strand). Cytogenetic location: 18q21.33.
Variant type: single nucleotide variant.
Coding change: c.2249C>G on transcript NM_176787.5 (MANE Select); coding-DNA position 2249, C replaced by G.
Protein change: p.Thr750Ser; replaces threonine 750 with serine.
Molecular consequence: missense variant.
Genome position (GRCh38, 1-based): chr18:62,090,510, G>C on the plus strand (C>G on the coding strand, the complement: PIGN is on the minus strand). VCF-style: chr18-62090510-G-C. GRCh37 (hg19) VCF-style: chr18-59757743-G-C.
Other names: c.2249C>G, p.Thr750Ser (NM_012327.6); short protein forms T750S.
Identifiers: ClinVar variation 3777472 (VCV003777472.1).
Genomic context (GRCh38, chr18:62,090,510, plus strand): 5'-AAACAAAAATGACTTTGACCAGCTACCTTTTGTTTACAGCAAACACCAGATTGTTGTAGA[G>C]TTTCTTGTTCTATGTTTATCCAGACAAACATCAAACAAGACAACACTAGTGGAAAGAGAG-3'
Protein context (NP_789744.1, residues 740-760): MFVWINIEQE[Thr750Ser]LQQSGVCCKQ